The following is an entry in ClinVar:

NM_000352.6(ABCC8):c.1015C>A (p.Gln339Lys)

Gene: ABCC8 (ATP binding cassette subfamily C member 8; minus strand). Cytogenetic location: 11p15.1.
Variant type: single nucleotide variant.
Coding change: c.1015C>A on transcript NM_000352.6 (MANE Select); coding-DNA position 1015, C replaced by A.
Protein change: p.Gln339Lys; replaces glutamine 339 with lysine.
Molecular consequence: missense variant. On other transcripts: non-coding transcript variant (1).
Genome position (GRCh38, 1-based): chr11:17,453,280, G>T on the plus strand (C>A on the coding strand, the complement: ABCC8 is on the minus strand). VCF-style: chr11-17453280-G-T. GRCh37 (hg19) VCF-style: chr11-17474827-G-T.
Other names: c.1015C>A, p.Gln339Lys (NM_001287174.3, NM_001351295.2); c.1012C>A, p.Gln338Lys (NM_001351296.2, NM_001351297.2); short protein forms Q338K, Q339K.
Identifiers: ClinVar variation 1393685 (VCV001393685.6), dbSNP rs2133642509, ClinGen allele CA379771515.
Genomic context (GRCh38, chr11:17,453,280, plus strand): 5'-CTAAGACGTAGGCATTGGCAAGGAACTCTTGGGATGAGACAAAGTAAACCCCGAGAAATT[G>T]TGTCTGTTGGAAAGAGAAGTTCAGAGGTGACTGTCATTGCCAGCAAAATGACCACCGTAG-3'
Protein context (NP_000343.2, residues 329-349): KENDVFQPKT[Gln339Lys]FLGVYFVSSQ

ClinVar aggregate classification (germline): Uncertain significance (1 of 4 stars; one submission).

Submission:

Labcorp Genetics (formerly Invitae), Labcorp
Classification: Uncertain significance. Last evaluated: 2024-10-15. Review status: criteria provided, single submitter. Criteria: Invitae Variant Classification Sherloc (09022015). Collection method: clinical testing. Allele origin: germline.
Comment: This sequence change replaces glutamine, which is neutral and polar, with lysine, which is basic and polar, at codon 339 of the ABCC8 protein (p.Gln339Lys). This variant is not present in population databases (gnomAD no frequency). This variant has not been reported in the literature in individuals affected with ABCC8-related conditions. ClinVar contains an entry for this variant (Variation ID: 1393685). Invitae Evidence Modeling of protein sequence and biophysical properties (such as structural, functional, and spatial information, amino acid conservation, physicochemical variation, residue mobility, and thermodynamic stability) indicates that this missense variant is not expected to disrupt ABCC8 protein function with a negative predictive value of 95%. In summary, the available evidence is currently insufficient to determine the role of this variant in disease. Therefore, it has been classified as a Variant of Uncertain Significance.